The following is an entry in ClinVar:

NM_000274.4(OAT):c.1237A>G (p.Arg413Gly)

Gene: OAT (ornithine aminotransferase; minus strand). Cytogenetic location: 10q26.13.
Variant type: single nucleotide variant.
Coding change: c.1237A>G on transcript NM_000274.4 (MANE Select); coding-DNA position 1237, A replaced by G.
Protein change: p.Arg413Gly; replaces arginine 413 with glycine.
Molecular consequence: missense variant.
Genome position (GRCh38, 1-based): chr10:124,398,025, T>C on the plus strand (A>G on the coding strand, the complement: OAT is on the minus strand). VCF-style: chr10-124398025-T-C. GRCh37 (hg19) VCF-style: chr10-126086594-T-C.
Other names: c.823A>G, p.Arg275Gly (NM_001171814.2); c.1237A>G, p.Arg413Gly (NM_001322965.2, NM_001322966.2, NM_001322967.2 and 3 more transcripts); c.916A>G, p.Arg306Gly (NM_001322971.2); c.637A>G, p.Arg213Gly (NM_001322974.2); short protein forms R213G, R275G, R306G, R413G.
Identifiers: ClinVar variation 3777640 (VCV003777640.1).
Genomic context (GRCh38, chr10:124,398,025, plus strand): 5'-TAATAATTTCAATGGACTCTCGAAGCTCATCCTCCTTGATCACCAGCGGAGGCGCAAACC[T>C]GATAATGTCGCCATGGGTTGGCTTGGCCAGAAGTCCATTATCTCGAAGTCGTAGACACAC-3'
Protein context (NP_000265.1, residues 403-423): LAKPTHGDII[Arg413Gly]FAPPLVIKED

ClinVar aggregate classification (germline): Uncertain significance (1 of 4 stars; one submission).

gnomAD v4.1: 1 of 1,614,084 alleles (0.000062%); highest among the groups gnomAD compares: Non-Finnish European, 0.000085%; no homozygotes.

Submission:

GeneDx
Classification: Uncertain significance. Last evaluated: 2024-10-08. Review status: criteria provided, single submitter. Criteria: GeneDx Variant Classification Process June 2021. Collection method: clinical testing. Allele origin: germline. Affected: yes.
Comment: Not observed at significant frequency in large population cohorts (gnomAD); In silico analysis supports that this missense variant has a deleterious effect on protein structure/function; Has not been previously published as pathogenic or benign to our knowledge